The following is an entry in ClinVar:

NM_001042492.3(NF1):c.3460A>T (p.Asn1154Tyr)

Gene: NF1 (neurofibromin 1; plus strand). Cytogenetic location: 17q11.2.
Variant type: single nucleotide variant.
Coding change: c.3460A>T on transcript NM_001042492.3 (MANE Select); coding-DNA position 3460, A replaced by T.
Protein change: p.Asn1154Tyr; replaces asparagine 1154 with tyrosine.
Molecular consequence: missense variant.
Genome position (GRCh38, 1-based): chr17:31,232,845, A>T. VCF-style: chr17-31232845-A-T. GRCh37 (hg19) VCF-style: chr17-29559863-A-T.
Other names: c.3460A>T, p.Asn1154Tyr (NM_000267.4); short protein forms N1154Y.
Identifiers: ClinVar variation 2452287 (VCV002452287.2), dbSNP rs2067137878, ClinGen allele CA398989359.
Genomic context (GRCh38, chr17:31,232,845, plus strand): 5'-ATGTCTCGGAGGCTGGCATCACTGAGGCACTGTACGGTCCTTGCAATGTCAAACTTACTC[A>T]ATGCCAACGTAGACAGTGGTCTCATGCACTCCATAGGTGAGATCAAATGAAAGTTTCATA-3'
Protein context (NP_001035957.1, residues 1144-1164): CTVLAMSNLL[Asn1154Tyr]ANVDSGLMHS

ClinVar aggregate classification (germline): Uncertain significance (1 of 4 stars; one submission).

Conditions:
Hereditary cancer-predisposing syndrome. Also called: Neoplastic Syndromes, Hereditary; Tumor predisposition; Hereditary neoplastic syndrome; Hereditary Cancer Syndrome. Identifiers: Orphanet 140162, MedGen C0027672, MeSH D009386, MONDO:0015356.
Cardiovascular phenotype. Identifiers: MedGen CN230736.

Submission:

Ambry Genetics
Classification: Uncertain significance for Cardiovascular phenotype; Hereditary cancer-predisposing syndrome. Last evaluated: 2023-01-19. Review status: criteria provided, single submitter. Criteria: Ambry Variant Classification Scheme 2023. Collection method: clinical testing. Allele origin: germline.
Comment: The p.N1154Y variant (also known as c.3460A>T), located in coding exon 26 of the NF1 gene, results from an A to T substitution at nucleotide position 3460. The asparagine at codon 1154 is replaced by tyrosine, an amino acid with dissimilar properties. This amino acid position is conserved. In addition, the in silico prediction for this alteration is inconclusive. Since supporting evidence is limited at this time, the clinical significance of this alteration remains unclear.